The following is an entry in ClinVar:

NM_001130438.3(SPTAN1):c.1945G>A (p.Val649Met)

Gene: SPTAN1 (spectrin alpha, non-erythrocytic 1; plus strand). Cytogenetic location: 9q34.11.
Variant type: single nucleotide variant.
Coding change: c.1945G>A on transcript NM_001130438.3 (MANE Select); coding-DNA position 1945, G replaced by A.
Protein change: p.Val649Met; replaces valine 649 with methionine.
Molecular consequence: missense variant.
Genome position (GRCh38, 1-based): chr9:128,583,215, G>A. VCF-style: chr9-128583215-G-A. GRCh37 (hg19) VCF-style: chr9-131345494-G-A.
Other names: c.1945G>A, p.Val649Met (NM_001195532.2, NM_001363759.2, NM_001363765.2 and 5 more transcripts); c.1981G>A, p.Val661Met (NM_001375312.2, NM_001375318.1); short protein forms V649M, V661M.
Identifiers: ClinVar variation 2745647 (VCV002745647.3), dbSNP rs767460630, ClinGen allele CA5264538.

ClinVar aggregate classification (germline): Uncertain significance (1 of 4 stars; one submission).

Conditions:
Early-infantile DEE. Also called: Early infantile epileptic encephalopathy with suppression bursts; Early infantile epileptic encephalopathy; Ohtahara syndrome. Identifiers: Orphanet 1934, MedGen C0393706, MONDO:0800491.

Allele frequency attached by ClinVar (database versions not stated): TOPMed 0.00002; ExAC 0.00001; gnomAD 0.00002.
gnomAD v4.1: 4 of 1,613,962 alleles (0.00025%); highest among the groups gnomAD compares: African/African-American, 0.0053%; no homozygotes.

Submission:

Labcorp Genetics (formerly Invitae), Labcorp
Classification: Uncertain significance for Early-infantile DEE. Last evaluated: 2025-04-18. Review status: criteria provided, single submitter. Criteria: Invitae Variant Classification Sherloc (09022015). Collection method: clinical testing. Allele origin: germline.
Comment: This sequence change replaces valine, which is neutral and non-polar, with methionine, which is neutral and non-polar, at codon 649 of the SPTAN1 protein (p.Val649Met). This variant is present in population databases (rs767460630, gnomAD 0.008%). This variant has not been reported in the literature in individuals affected with SPTAN1-related conditions. ClinVar contains an entry for this variant (Variation ID: 2745647). Invitae Evidence Modeling of protein sequence and biophysical properties (such as structural, functional, and spatial information, amino acid conservation, physicochemical variation, residue mobility, and thermodynamic stability) has been performed for this missense variant. However, the output from this modeling did not meet the statistical confidence thresholds required to predict the impact of this variant on SPTAN1 protein function. In summary, the available evidence is currently insufficient to determine the role of this variant in disease. Therefore, it has been classified as a Variant of Uncertain Significance.